The following is an entry in ClinVar:

NM_004629.2(FANCG):c.1727C>T (p.Ala576Val)

Gene: FANCG (FA complementation group G; minus strand). Cytogenetic location: 9p13.3.
Variant type: single nucleotide variant.
Coding change: c.1727C>T on transcript NM_004629.2 (MANE Select); coding-DNA position 1727, C replaced by T.
Protein change: p.Ala576Val; replaces alanine 576 with valine.
Molecular consequence: missense variant.
Genome position (GRCh38, 1-based): chr9:35,074,404, G>A on the plus strand (C>T on the coding strand, the complement: FANCG is on the minus strand). VCF-style: chr9-35074404-G-A. GRCh37 (hg19) VCF-style: chr9-35074401-G-A.
Other names: short protein forms A576V.
Identifiers: ClinVar variation 2142218 (VCV002142218.2), dbSNP rs2131051754, ClinGen allele CA373300569.

ClinVar aggregate classification (germline): Uncertain significance (1 of 4 stars; one submission).

Conditions:
Fanconi anemia (FA). Also called: Fanconi's anemia. Identifiers: Orphanet 84, MedGen C0015625, MeSH D005199, MONDO:0019391.

Submission:

Labcorp Genetics (formerly Invitae), Labcorp
Classification: Uncertain significance for Fanconi anemia. Last evaluated: 2022-04-22. Review status: criteria provided, single submitter. Criteria: Invitae Variant Classification Sherloc (09022015). Collection method: clinical testing. Allele origin: germline.
Comment: Algorithms developed to predict the effect of missense changes on protein structure and function are either unavailable or do not agree on the potential impact of this missense change (SIFT: "Tolerated"; PolyPhen-2: "Possibly Damaging"; Align-GVGD: "Class C0"). This sequence change replaces alanine, which is neutral and non-polar, with valine, which is neutral and non-polar, at codon 576 of the FANCG protein (p.Ala576Val). This variant is not present in population databases (gnomAD no frequency). This variant has not been reported in the literature in individuals affected with FANCG-related conditions. In summary, the available evidence is currently insufficient to determine the role of this variant in disease. Therefore, it has been classified as a Variant of Uncertain Significance.